The following is an entry in ClinVar:

NM_000038.6(APC):c.6486T>G (p.Asn2162Lys)

Gene: APC (APC regulator of Wnt signaling pathway; plus strand). Cytogenetic location: 5q22.2.
Variant type: single nucleotide variant.
Coding change: c.6486T>G on transcript NM_000038.6 (MANE Select); coding-DNA position 6486, T replaced by G.
Protein change: p.Asn2162Lys; replaces asparagine 2162 with lysine.
Molecular consequence: missense variant.
Genome position (GRCh38, 1-based): chr5:112,842,080, T>G. VCF-style: chr5-112842080-T-G. GRCh37 (hg19) VCF-style: chr5-112177777-T-G.
Other names: c.6540T>G, p.Asn2180Lys (NM_001354896.2); c.6516T>G, p.Asn2172Lys (NM_001354897.2); c.6411T>G, p.Asn2137Lys (NM_001354898.2); c.6402T>G, p.Asn2134Lys (NM_001354899.2); c.6363T>G, p.Asn2121Lys (NM_001354900.2); c.6309T>G, p.Asn2103Lys (NM_001354901.2); c.6213T>G, p.Asn2071Lys (NM_001354902.2); c.6183T>G, p.Asn2061Lys (NM_001354903.2); and 5 more; short protein forms N1879K, N2002K, N2036K, N2061K, N2071K, N2103K, N2121K, N2134K.
Identifiers: ClinVar variation 1332307 (VCV001332307.11), dbSNP rs776869030, ClinGen allele CA044983.

ClinVar aggregate classification (germline): Uncertain significance. Review status: criteria provided, multiple submitters, no conflicts (2 of 4 stars). 5 submissions from 5 submitters: Uncertain significance (5). Last evaluated 2024-12-31.

Conditions:
Classic or attenuated familial adenomatous polyposis. Identifiers: MedGen CN372698, MONDO:0021057.
Hereditary cancer-predisposing syndrome. Also called: Tumor predisposition; Hereditary Cancer Syndrome; Neoplastic Syndromes, Hereditary; Hereditary neoplastic syndrome. Identifiers: Orphanet 140162, MedGen C0027672, MeSH D009386, MONDO:0015356.
Familial adenomatous polyposis 1 (FAP1). Also called: POLYPOSIS, ADENOMATOUS INTESTINAL; FAMILIAL ADENOMATOUS POLYPOSIS 1, ATTENUATED. Identifiers: MedGen C2713442, MONDO:0021056, OMIM 175100. Disease mechanism: loss of function.

Allele frequency attached by ClinVar (database versions not stated): gnomAD exomes below 0.00001; ExAC 0.00001.
gnomAD v4.1: 2 of 1,611,436 alleles (0.00012%); highest among the groups gnomAD compares: Non-Finnish European, 0.00017%; no homozygotes.

Submissions (5):

GeneDx
Classification: Uncertain significance. Last evaluated: 2024-12-31. Review status: criteria provided, single submitter. Criteria: GeneDx Variant Classification Process June 2021. Collection method: clinical testing. Allele origin: germline. Affected: yes.
Comment: Not observed at significant frequency in large population cohorts (gnomAD); In silico analysis indicates that this missense variant does not alter protein structure/function; Has not been previously published as pathogenic or benign to our knowledge

All of Us Research Program, National Institutes of Health
Classification: Uncertain significance for Classic or attenuated familial adenomatous polyposis. Last evaluated: 2024-09-11. Review status: criteria provided, single submitter. Criteria: ACMG Guidelines, 2015. Collection method: clinical testing. Allele origin: germline. Inheritance: Autosomal dominant inheritance. Observed: 1 variant allele, 1 heterozygote.
Comment: This missense variant replaces asparagine with lysine at codon 2162 of the APC protein. Computational prediction suggests that this variant may not impact protein structure and function (internally defined REVEL score threshold <= 0.5, PMID: 27666373). To our knowledge, functional studies have not been reported for this variant. This variant has not been reported in individuals affected with hereditary cancer in the literature. This variant has been identified in 1/249924 chromosomes in the general population by the Genome Aggregation Database (gnomAD). The available evidence is insufficient to determine the role of this variant in disease conclusively. Therefore, this variant is classified as a Variant of Uncertain Significance.

This study involves interpretation of variants in research participants for the purpose of population health screening. Participant phenotype was not available at the time of variant classification. Additional details can be found in publication PMID: 35346344, PMCID: PMC8962531

Color Diagnostics, LLC DBA Color Health
Classification: Uncertain significance for Hereditary cancer-predisposing syndrome. Last evaluated: 2024-03-06. Review status: criteria provided, single submitter. Criteria: ACMG Guidelines, 2015. Collection method: clinical testing. Allele origin: germline.
Comment: This missense variant replaces asparagine with lysine at codon 2162 of the APC protein. Computational prediction suggests that this variant may not impact protein structure and function (internally defined REVEL score threshold <= 0.5, PMID: 27666373). To our knowledge, functional studies have not been reported for this variant. This variant has not been reported in individuals affected with hereditary cancer in the literature. This variant has been identified in 1/249924 chromosomes in the general population by the Genome Aggregation Database (gnomAD). The available evidence is insufficient to determine the role of this variant in disease conclusively. Therefore, this variant is classified as a Variant of Uncertain Significance.

Ambry Genetics
Classification: Uncertain significance for Hereditary cancer-predisposing syndrome. Last evaluated: 2023-05-26. Review status: criteria provided, single submitter. Criteria: Ambry Variant Classification Scheme 2023. Collection method: clinical testing. Allele origin: germline.
Comment: The p.N2162K variant (also known as c.6486T>G), located in coding exon 15 of the APC gene, results from a T to G substitution at nucleotide position 6486. The asparagine at codon 2162 is replaced by lysine, an amino acid with similar properties. This amino acid position is well conserved in available vertebrate species. In addition, in silico predictors for this gene do not accurately predict pathogenicity. Since supporting evidence is limited at this time, the clinical significance of this alteration remains unclear.

Labcorp Genetics (formerly Invitae), Labcorp
Classification: Uncertain significance for Familial adenomatous polyposis 1. Last evaluated: 2022-11-04. Review status: criteria provided, single submitter. Criteria: Invitae Variant Classification Sherloc (09022015). Collection method: clinical testing. Allele origin: germline.
Comment: This variant is present in population databases (rs776869030, gnomAD 0.0009%). This sequence change replaces asparagine, which is neutral and polar, with lysine, which is basic and polar, at codon 2162 of the APC protein (p.Asn2162Lys). This variant has not been reported in the literature in individuals affected with APC-related conditions. In summary, the available evidence is currently insufficient to determine the role of this variant in disease. Therefore, it has been classified as a Variant of Uncertain Significance. Advanced modeling of protein sequence and biophysical properties (such as structural, functional, and spatial information, amino acid conservation, physicochemical variation, residue mobility, and thermodynamic stability) performed at Invitae indicates that this missense variant is not expected to disrupt APC protein function. ClinVar contains an entry for this variant (Variation ID: 1332307).